The following is an entry in ClinVar:

NM_000202.8(IDS):c.1159G>A (p.Ala387Thr)

Genes: IDS (iduronate 2-sulfatase; minus strand), LOC106050102 (IDS recombination region; plus strand). Cytogenetic location: Xq28.
Variant type: single nucleotide variant.
Coding change: c.1159G>A on transcript NM_000202.8 (MANE Select); coding-DNA position 1159, G replaced by A.
Protein change: p.Ala387Thr; replaces alanine 387 with threonine.
Molecular consequence: missense variant.
Genome position (GRCh38, 1-based): chrX:149,486,946, C>T on the plus strand (G>A on the coding strand, the complement: IDS is on the minus strand). VCF-style: chrX-149486946-C-T. GRCh37 (hg19) VCF-style: chrX-148568477-C-T.
Other names: c.1159G>A (NM_000202.5, NM_000202.7); c.889G>A, p.Ala297Thr (NM_001166550.4); short protein forms A387T, A297T.
Identifiers: ClinVar variation 767192 (VCV000767192.14), dbSNP rs376725292, ClinGen allele CA10537489.

ClinVar aggregate classification (germline): Benign/Likely benign. Review status: criteria provided, multiple submitters, no conflicts (2 of 4 stars). 4 submissions from 4 submitters: Benign (1); Likely benign (2). 1 of the submissions does not count toward it. Last evaluated 2026-08-31.

Conditions:
Inborn genetic diseases. Identifiers: MedGen C0950123, MeSH D030342.
Mucopolysaccharidosis, MPS-III-A (MPS3A). Also called: MUCOPOLYSACCHARIDOSIS, TYPE IIIA, ATTENUATED; HEPARAN SULFATE SULFATASE DEFICIENCY; SANFILIPPO SYNDROME A; SULFAMIDASE DEFICIENCY; Mucopolysaccharidosis, type IIIA; MPS III A. Identifiers: Orphanet 581, Orphanet 79269, MedGen C0086647, MONDO:0009655, OMIM 252900.
IDS-related disorder. Also called: IDS-related condition.
Mucopolysaccharidosis, MPS-II (MPS2). Also called: IDS deficiency; Sulfoiduronate sulfatase deficiency; SIDS deficiency; Mucopolysaccharidosis with skin involvement; Attenuated MPS (subtype; formerly known as mild MPS II); Severe MPS II. Identifiers: Orphanet 580, Orphanet 79388, MedGen C0026705, MONDO:0010674, OMIM 309900.

Allele frequency attached by ClinVar (database versions not stated): gnomAD exomes 0.00009 and 0.00016; gnomAD 0.00008; TOPMed 0.00017; ExAC 0.00018; 1000 Genomes Project 0.00026; 1000 Genomes Project 30x 0.00021.
gnomAD v4.1: 111 of 1,210,040 alleles (0.0092%); highest among the groups gnomAD compares: African/African-American, 0.033%; no homozygotes.

Submissions (4):

PreventionGenetics, part of Exact Sciences
Classification: Likely benign for IDS-related condition. Last evaluated: 2026-08-31. Review status: criteria provided, single submitter. Criteria: ACMG Guidelines, 2015. Collection method: clinical testing. Allele origin: germline.
Comment: This variant is classified as likely benign based on ACMG/AMP sequence variant interpretation guidelines (Richards et al. 2015 PMID: 25741868, with internal and published modifications).

Labcorp Genetics (formerly Invitae), Labcorp
Classification: Benign for Mucopolysaccharidosis, MPS-II. Last evaluated: 2025-10-09. Review status: criteria provided, single submitter. Criteria: Invitae Variant Classification Sherloc (09022015). Collection method: clinical testing. Allele origin: germline.

Ambry Genetics
Classification: Likely benign for Inborn genetic diseases. Last evaluated: 2022-11-07. Review status: criteria provided, single submitter. Criteria: Ambry Variant Classification Scheme 2023. Collection method: clinical testing. Allele origin: germline.

Natera, Inc.
Classification: Likely benign for Mucopolysaccharidosis type IIIA. Last evaluated: 2020-05-31. Review status: no assertion criteria provided. Collection method: clinical testing. Allele origin: germline. Not counted in ClinVar's aggregate classification.